The following is an entry in ClinVar:

ClinVar aggregate classification (germline): Uncertain significance (1 of 4 stars; one submission).

Conditions:
Familial thoracic aortic aneurysm and aortic dissection (TAAD). Also called: Thoracic aortic aneurysms and dissections. Identifiers: Orphanet 91387, MedGen C4707243, MONDO:0019625.

Submission:

Color Diagnostics, LLC DBA Color Health
Classification: Uncertain significance for Familial thoracic aortic aneurysm and aortic dissection. Last evaluated: 2024-03-06. Review status: criteria provided, single submitter. Criteria: ACMG Guidelines, 2015. Collection method: clinical testing. Allele origin: germline.
Comment: This missense variant replaces methionine with threonine at codon 410 of the COL3A1 protein. Computational prediction suggests that this variant may not impact protein structure and function (internally defined REVEL score threshold <= 0.5, PMID: 27666373). Splice site prediction tools suggest that this variant may not impact RNA splicing. To our knowledge, functional studies have not been performed for this variant. This variant has not been reported in individuals affected with cardiovascular disorders in the literature. This variant has not been identified in the general population by the Genome Aggregation Database (gnomAD). The available evidence is insufficient to determine the role of this variant in disease conclusively. Therefore, this variant is classified as a Variant of Uncertain Significance.

NM_000090.4(COL3A1):c.1229T>C (p.Met410Thr)

Gene: COL3A1 (collagen type III alpha 1 chain; plus strand). Cytogenetic location: 2q32.2.
Variant type: single nucleotide variant.
Coding change: c.1229T>C on transcript NM_000090.4 (MANE Select); coding-DNA position 1229, T replaced by C.
Protein change: p.Met410Thr; replaces methionine 410 with threonine.
Molecular consequence: missense variant.
Genome position (GRCh38, 1-based): chr2:188,994,268, T>C. VCF-style: chr2-188994268-T-C. GRCh37 (hg19) VCF-style: chr2-189858994-T-C.
Other names: short protein forms M410T.
Identifiers: ClinVar variation 924553 (VCV000924553.4), dbSNP rs1369779639, ClinGen allele CA349851401.